The following is an entry in ClinVar:

NM_145199.3(LIPT1):c.711T>C (p.Ala237=)

Genes: LIPT1 (lipoyltransferase 1; plus strand), MITD1 (microtubule interacting and trafficking domain containing 1; minus strand). Cytogenetic location: 2q11.2.
Variant type: single nucleotide variant.
Coding change: c.711T>C on transcript NM_145199.3 (MANE Select); coding-DNA position 711, T replaced by C.
Protein change: p.Ala237=; no amino-acid change (alanine 237 retained).
Molecular consequence: synonymous variant. On other transcripts: non-coding transcript variant (2).
Genome position (GRCh38, 1-based): chr2:99,162,668, T>C. VCF-style: chr2-99162668-T-C. GRCh37 (hg19) VCF-style: chr2-99779131-T-C.
Other names: c.711T>C, p.Ala237= (NM_001204830.2, NM_015929.4, NM_145197.3 and 1 more transcripts).
Identifiers: ClinVar variation 379992 (VCV000379992.13), dbSNP rs2516835, ClinGen allele CA1797364.

ClinVar aggregate classification (germline): Benign. Review status: criteria provided, multiple submitters, no conflicts (2 of 4 stars). 4 submissions from 4 submitters: Benign (4). Last evaluated 2026-02-03.

Conditions:
Lipoyl transferase 1 deficiency. Also called: Lipoyltransferase 1 deficiency. Identifiers: Orphanet 401862, MedGen C4225379, MONDO:0014576, OMIM 616299.

Allele frequency attached by ClinVar (database versions not stated): 1000 Genomes Project 30x 0.48673; TOPMed 0.49446; 1000 Genomes Project 0.49681; gnomAD 0.49987 and 0.50700; ESP Exome Variant Server 0.50492; ExAC 0.56107; gnomAD exomes 0.56198 and 0.60477.
gnomAD v4.1: 960,434 of 1,613,468 alleles (60%); highest among the groups gnomAD compares: East Asian, 66%; 291,854 homozygotes.

Submissions (4):

Labcorp Genetics (formerly Invitae), Labcorp
Classification: Benign. Last evaluated: 2026-02-03. Review status: criteria provided, single submitter. Criteria: Invitae Variant Classification Sherloc (09022015). Collection method: clinical testing. Allele origin: germline.

Genome-Nilou Lab
Classification: Benign for Lipoyl transferase 1 deficiency. Last evaluated: 2021-08-19. Review status: criteria provided, single submitter. Criteria: ACMG Guidelines, 2015. Collection method: clinical testing. Allele origin: germline. Affected: no.

GeneDx
Classification: Benign. Last evaluated: 2015-12-02. Review status: criteria provided, single submitter. Criteria: GeneDx Variant Classification (06012015). Collection method: clinical testing. Allele origin: germline. Affected: yes.
Comment: This variant is considered likely benign or benign based on one or more of the following criteria: it is a conservative change, it occurs at a poorly conserved position in the protein, it is predicted to be benign by multiple in silico algorithms, and/or has population frequency not consistent with disease.

Breakthrough Genomics
Classification: Benign. Review status: criteria provided, single submitter. Criteria: ACMG Guidelines, 2015. Collection method: not provided. Allele origin: germline. Inheritance: Autosomal recessive inheritance. Affected: yes.